The following is an entry in ClinVar:

NM_007294.4(BRCA1):c.4338A>T (p.Glu1446Asp)

Gene: BRCA1 (BRCA1 DNA repair associated; minus strand). Cytogenetic location: 17q21.31.
Variant type: single nucleotide variant.
Coding change: c.4338A>T on transcript NM_007294.4 (MANE Select); coding-DNA position 4338, A replaced by T.
Protein change: p.Glu1446Asp; replaces glutamic acid 1446 with aspartic acid.
Molecular consequence: missense variant. On other transcripts: non-coding transcript variant (1).
Genome position (GRCh38, 1-based): chr17:43,082,423, T>A on the plus strand (A>T on the coding strand, the complement: BRCA1 is on the minus strand). VCF-style: chr17-43082423-T-A. GRCh37 (hg19) VCF-style: chr17-41234440-T-A.
Other names: c.4338A>T, p.Glu1446Asp (NM_001407617.1, NM_001407618.1, NM_001407619.1 and 23 more transcripts); c.4335A>T, p.Glu1445Asp (NM_001407624.1, NM_001407625.1, NM_001407587.1 and 21 more transcripts); c.4125A>T, p.Glu1375Asp (NM_001407571.1, NM_001407853.1, NM_001407894.1 and 12 more transcripts); c.4332A>T, p.Glu1444Asp (NM_001407627.1, NM_001407628.1, NM_001407629.1 and 5 more transcripts); c.4326A>T, p.Glu1442Asp (NM_001407646.1, NM_001407647.1); c.4215A>T, p.Glu1405Asp (NM_001407648.1, NM_001407664.1, NM_001407665.1 and 13 more transcripts); c.4212A>T, p.Glu1404Asp (NM_001407649.1, NM_001407670.1, NM_001407671.1 and 12 more transcripts); c.4260A>T, p.Glu1420Asp (NM_001407653.1, NM_001407654.1, NM_001407655.1 and 2 more transcripts); and 51 more; short protein forms E1446D, E1399D, E343D, E1150D, E1318D, E1334D, E1356D, E1378D.
Identifiers: ClinVar variation 531260 (VCV000531260.12), dbSNP rs1555584018, ClinGen allele CA10593046.
Genomic context (GRCh38, chr17:43,082,423, plus strand): 5'-AATTTTGCTTAAGATATCAGTGTTTGGCCAACAATACACACCTTTTTCTGATGTGCTTTG[T>A]TCTGGATTTCGCAGGTCCTCAAGGGCAGAAGAGTCACTTATGATGGAAGGGTAGCTGTTA-3'
Protein context (NP_009225.1, residues 1436-1456): SSALEDLRNP[Glu1446Asp]QSTSEKAVLT

ClinVar aggregate classification (germline): Uncertain significance (1 of 4 stars; one submission).

Conditions:
Hereditary breast ovarian cancer syndrome. Also called: Hereditary breast and ovarian cancer syndrome (HBOC); BRCA1- and BRCA2-Associated Hereditary Breast and Ovarian Cancer; Hereditary breast and ovarian cancer syndrome; Breast and ovarian cancer; Hereditary breast and ovarian cancer; Hereditary breast and/or ovarian cancer syndrome. Identifiers: Orphanet 145, MedGen C0677776, MeSH D061325, MONDO:0003582. Disease mechanism: loss of function.

Submission:

Labcorp Genetics (formerly Invitae), Labcorp
Classification: Uncertain significance for Hereditary breast ovarian cancer syndrome. Last evaluated: 2023-10-15. Review status: criteria provided, single submitter. Criteria: Invitae Variant Classification Sherloc (09022015). Collection method: clinical testing. Allele origin: germline.
Comment: This sequence change replaces glutamic acid, which is acidic and polar, with aspartic acid, which is acidic and polar, at codon 1446 of the BRCA1 protein (p.Glu1446Asp). This variant is not present in population databases (gnomAD no frequency). This variant has not been reported in the literature in individuals affected with BRCA1-related conditions. ClinVar contains an entry for this variant (Variation ID: 531260). Advanced modeling of protein sequence and biophysical properties (such as structural, functional, and spatial information, amino acid conservation, physicochemical variation, residue mobility, and thermodynamic stability) performed at Invitae indicates that this missense variant is not expected to disrupt BRCA1 protein function. In summary, the available evidence is currently insufficient to determine the role of this variant in disease. Therefore, it has been classified as a Variant of Uncertain Significance.